The following is an entry in ClinVar:

ClinVar aggregate classification (germline): Uncertain significance (1 of 4 stars; one submission).

Conditions:
Hereditary cancer-predisposing syndrome. Also called: Neoplastic Syndromes, Hereditary; Tumor predisposition; Hereditary neoplastic syndrome; Hereditary Cancer Syndrome. Identifiers: Orphanet 140162, MedGen C0027672, MeSH D009386, MONDO:0015356.

Submission:

Ambry Genetics
Classification: Uncertain significance for Hereditary cancer-predisposing syndrome. Last evaluated: 2025-06-15. Review status: criteria provided, single submitter. Criteria: Ambry Variant Classification Scheme 2023. Collection method: clinical testing. Allele origin: germline.
Comment: The p.S1990T variant (also known as c.5969G>C), located in coding exon 39 of the ATM gene, results from a G to C substitution at nucleotide position 5969. The serine at codon 1990 is replaced by threonine, an amino acid with similar properties. This amino acid position is conserved. In addition, this alteration is predicted to be tolerated by in silico analysis. Based on the available evidence, the clinical significance of this variant remains unclear.

NM_000051.4(ATM):c.5969G>C (p.Ser1990Thr)

Genes: ATM (ATM serine/threonine kinase; plus strand), C11orf65 (chromosome 11 open reading frame 65; minus strand). Cytogenetic location: 11q22.3.
Variant type: single nucleotide variant.
Coding change: c.5969G>C on transcript NM_000051.4 (MANE Select); coding-DNA position 5969, G replaced by C.
Protein change: p.Ser1990Thr; replaces serine 1990 with threonine.
Molecular consequence: missense variant. On other transcripts: intron variant (2).
Genome position (GRCh38, 1-based): chr11:108,312,461, G>C. VCF-style: chr11-108312461-G-C. GRCh37 (hg19) VCF-style: chr11-108183188-G-C.
Other names: c.5969G>C, p.Ser1990Thr (NM_001351834.2); c.641-3390C>G (NM_001330368.2); c.*39-3390C>G (NM_001351110.2); short protein forms S1990T.
Identifiers: ClinVar variation 4168728 (VCV004168728.1).
Genomic context (GRCh38, chr11:108,312,461, plus strand): 5'-TGACAAACAGAAGTCTTGCATTTGAAGAAGGAAGCCAGAGTACAACTATTTCTAGCTTGA[G>C]TGAAAAAAGTAAAGAAGAAACTGGAATAAGTTTACAGGTAAATATTAGAGGCTCTATTAT-3'
Protein context (NP_000042.3, residues 1980-2000): GSQSTTISSL[Ser1990Thr]EKSKEETGIS